The following is an entry in ClinVar:

NM_007118.4(TRIO):c.6627G>T (p.Met2209Ile)

Gene: TRIO (trio Rho guanine nucleotide exchange factor; plus strand). Cytogenetic location: 5p15.2.
Variant type: single nucleotide variant.
Coding change: c.6627G>T on transcript NM_007118.4 (MANE Select); coding-DNA position 6627, G replaced by T.
Protein change: p.Met2209Ile; replaces methionine 2209 with isoleucine.
Molecular consequence: missense variant. On other transcripts: non-coding transcript variant (1).
Genome position (GRCh38, 1-based): chr5:14,482,743, G>T. VCF-style: chr5-14482743-G-T. GRCh37 (hg19) VCF-style: chr5-14482852-G-T.
Other names: c.6627G>T (NM_007118.2); short protein forms M2209I.
Identifiers: ClinVar variation 4084636 (VCV004084636.8).

ClinVar aggregate classification (germline): Conflicting classifications of pathogenicity. Review status: criteria provided, conflicting classifications (1 of 4 stars). 2 submissions from 2 submitters: Uncertain significance (1); Likely benign (1). Last evaluated 2025-11-13.

Conditions:
Inborn genetic diseases. Identifiers: MedGen C0950123, MeSH D030342.

gnomAD v4.1: 12 of 1,605,846 alleles (0.00075%); highest among the groups gnomAD compares: South Asian, 0.0056%; no homozygotes.

Submissions (2):

Ambry Genetics
Classification: Uncertain significance for Inborn genetic diseases. Last evaluated: 2025-11-13. Review status: criteria provided, single submitter. Criteria: Ambry Variant Classification Scheme 2023. Collection method: clinical testing. Allele origin: germline.

CeGaT Center for Human Genetics Tuebingen
Classification: Likely benign. Last evaluated: 2025-07-01. Review status: criteria provided, single submitter. Criteria: CeGaT Center For Human Genetics Tuebingen Variant Classification Criteria Version 2. Collection method: clinical testing. Allele origin: germline. Affected: yes. Observed: 1 variant allele.
Comment: TRIO: BP4